The following is an entry in ClinVar:

NM_001370595.2(COA8):c.477-283A>C

Gene: COA8 (cytochrome c oxidase assembly factor 8; plus strand). Cytogenetic location: 14q32.33.
Variant type: single nucleotide variant.
Coding change: c.477-283A>C on transcript NM_001370595.2 (MANE Select); 283 bases into the intron before coding-DNA position 477, A replaced by C.
Molecular consequence: intron variant.
Genome position (GRCh38, 1-based): chr14:103,589,898, A>C. VCF-style: chr14-103589898-A-C. GRCh37 (hg19) VCF-style: chr14-104056235-A-C.
Other names: c.516-283A>C (NM_032374.4); c.*31-283A>C (NM_001302653.2).
Identifiers: ClinVar variation 669766 (VCV000669766.1), dbSNP rs151204651, ClinGen allele CA16499482.

ClinVar aggregate classification (germline): Likely benign (1 of 4 stars; one submission).

Allele frequency attached by ClinVar (database versions not stated): 1000 Genomes Project 0.04393; gnomAD 0.04405 and 0.04472; 1000 Genomes Project 30x 0.04466; TOPMed 0.04475.

Submission:

GeneDx
Classification: Likely benign. Last evaluated: 2018-06-14. Review status: criteria provided, single submitter. Criteria: GeneDx Variant Classification (06012015). Collection method: clinical testing. Allele origin: germline. Affected: yes.
Comment: This variant is considered likely benign or benign based on one or more of the following criteria: it is a conservative change, it occurs at a poorly conserved position in the protein, it is predicted to be benign by multiple in silico algorithms, and/or has population frequency not consistent with disease.